The following is an entry in ClinVar:

ClinVar aggregate classification (germline): Uncertain significance (1 of 4 stars; one submission).

Conditions:
Cortical dysplasia-focal epilepsy syndrome (PTHSL1). Also called: Pitt-Hopkins-like syndrome 1. Identifiers: Orphanet 163681, Orphanet 221150, MedGen C2750246, MONDO:0012400, OMIM 610042.

Allele frequency attached by ClinVar (database versions not stated): TOPMed below 0.00001.

Submission:

Labcorp Genetics (formerly Invitae), Labcorp
Classification: Uncertain significance for Cortical dysplasia-focal epilepsy syndrome. Last evaluated: 2024-10-16. Review status: criteria provided, single submitter. Criteria: Invitae Variant Classification Sherloc (09022015). Collection method: clinical testing. Allele origin: germline.
Comment: This sequence change replaces lysine, which is basic and polar, with threonine, which is neutral and polar, at codon 783 of the CNTNAP2 protein (p.Lys783Thr). This variant is not present in population databases (gnomAD no frequency). This variant has not been reported in the literature in individuals affected with CNTNAP2-related conditions. ClinVar contains an entry for this variant (Variation ID: 850533). An algorithm developed to predict the effect of missense changes on protein structure and function (PolyPhen-2) suggests that this variant is likely to be tolerated. In summary, the available evidence is currently insufficient to determine the role of this variant in disease. Therefore, it has been classified as a Variant of Uncertain Significance.

NM_014141.6(CNTNAP2):c.2348A>C (p.Lys783Thr)

Gene: CNTNAP2 (contactin associated protein 2; plus strand). Cytogenetic location: 7q35.
Variant type: single nucleotide variant.
Coding change: c.2348A>C on transcript NM_014141.6 (MANE Select); coding-DNA position 2348, A replaced by C.
Protein change: p.Lys783Thr; replaces lysine 783 with threonine.
Molecular consequence: missense variant.
Genome position (GRCh38, 1-based): chr7:147,977,954, A>C. VCF-style: chr7-147977954-A-C. GRCh37 (hg19) VCF-style: chr7-147675046-A-C.
Other names: short protein forms K783T.
Identifiers: ClinVar variation 850533 (VCV000850533.9), dbSNP rs1198403790, ClinGen allele CA369927744.
Genomic context (GRCh38, chr7:147,977,954, plus strand): 5'-ATCACCTGCCAGTGAGCCAAGTGGTGGTTGGAGATACTGACCGTCAAGGCTCAGAAGCCA[A>C]ATTGAGCGTAGGTCCTCTGCGCTGCCAAGGAGACAGTAAGTTTGCATAGCAGCTATGGCT-3'
Protein context (NP_054860.1, residues 773-793): GDTDRQGSEA[Lys783Thr]LSVGPLRCQG